The following is an entry in ClinVar:

ClinVar aggregate classification (germline): Likely pathogenic (1 of 4 stars; one submission).

Conditions:
NBEAL2-related disorder. Also called: NBEAL2-related condition.

Submission:

PreventionGenetics, part of Exact Sciences
Classification: Likely pathogenic for NBEAL2-related condition. Last evaluated: 2023-06-05. Review status: criteria provided, single submitter. Criteria: ACMG Guidelines, 2015. Collection method: clinical testing. Allele origin: germline.
Comment: The NBEAL2 c.3920delC variant is predicted to result in a frameshift and premature protein termination (p.Pro1307Glnfs*59). To our knowledge, this variant has not been reported in the literature or in a large population database, indicating this variant is rare. Frameshift variants in NBEAL2 are expected to be pathogenic. This variant is interpreted as likely pathogenic.

NM_015175.3(NBEAL2):c.3920del (p.Pro1307fs)

Gene: NBEAL2 (neurobeachin like 2; plus strand). Cytogenetic location: 3p21.31.
Variant type: Deletion.
Coding change: c.3920del on transcript NM_015175.3 (MANE Select); coding-DNA position 3920, one base deleted (C; older notation c.3920delC).
Protein change: p.Pro1307fs; shifts the reading frame from proline 1307.
Molecular consequence: frameshift variant.
Genome position (GRCh38, 1-based): chr3:47,000,019, C deleted; the last of 4 consecutive C bases (chr3:47,000,016-47,000,019); deleting any one gives the same sequence. VCF-style (leftmost placement, unchanged base first): chr3-47000015-TC-T. GRCh37 (hg19) VCF-style: chr3-47041505-TC-T.
Other names: c.3818del, p.Pro1273fs (NM_001365116.2); short protein forms P1273fs, P1307fs.
Identifiers: ClinVar variation 2632340 (VCV002632340.1), dbSNP rs2545271813, ClinGen allele CA2665493218.
Genomic context (GRCh38, chr3:47,000,015, plus strand): 5'-GATGTGCTGACCCGGCTATATGTCCTGGAGGCTGCCACAGCCGGCAGCCCCCCTCCGTCT[TC>T]CCCAGAGTCACCTACCTCCCCCAAGCCAGCCCCACCCAAGCCACCCACTGAGTCACCTGC-3'